The following is an entry in ClinVar:

ClinVar aggregate classification (germline): Uncertain significance. Review status: criteria provided, multiple submitters, no conflicts (2 of 4 stars). 2 submissions from 2 submitters: Uncertain significance (2). Last evaluated 2026-06-10.

Conditions:
Inborn genetic diseases. Identifiers: MedGen C0950123, MeSH D030342.

gnomAD v4.1: 2 of 1,614,078 alleles (0.00012%); highest among the groups gnomAD compares: Non-Finnish European, 0.00017%; no homozygotes.

Submissions (2):

Ambry Genetics
Classification: Uncertain significance for Inborn genetic diseases. Last evaluated: 2026-06-10. Review status: criteria provided, single submitter. Criteria: Ambry Variant Classification Scheme 2023. Collection method: clinical testing. Allele origin: germline.
Comment: The p.F489L variant (also known as c.1467T>G), located in coding exon 8 of the MECOM gene, results from a T to G substitution at nucleotide position 1467. The phenylalanine at codon 489 is replaced by leucine, an amino acid with highly similar properties. This amino acid position is conserved. In addition, this alteration is predicted to be tolerated by in silico analysis. Based on the available evidence, the clinical significance of this variant remains unclear.

Labcorp Genetics (formerly Invitae), Labcorp
Classification: Uncertain significance. Last evaluated: 2024-08-29. Review status: criteria provided, single submitter. Criteria: Invitae Variant Classification Sherloc (09022015). Collection method: clinical testing. Allele origin: germline.
Comment: This sequence change replaces phenylalanine, which is neutral and non-polar, with leucine, which is neutral and non-polar, at codon 301 of the MECOM protein (p.Phe301Leu). This variant is present in population databases (no rsID available, gnomAD 0.0009%). This variant has not been reported in the literature in individuals affected with MECOM-related conditions. An algorithm developed to predict the effect of missense changes on protein structure and function (PolyPhen-2) suggests that this variant is likely to be tolerated. In summary, the available evidence is currently insufficient to determine the role of this variant in disease. Therefore, it has been classified as a Variant of Uncertain Significance.

NM_004991.4(MECOM):c.1467T>G (p.Phe489Leu)

Gene: MECOM (MDS1 and EVI1 complex locus; minus strand). Cytogenetic location: 3q26.2.
Variant type: single nucleotide variant.
Coding change: c.1467T>G on transcript NM_004991.4 (MANE Select); coding-DNA position 1467, T replaced by G.
Protein change: p.Phe489Leu; replaces phenylalanine 489 with leucine.
Molecular consequence: missense variant. On other transcripts: intron variant (2).
Genome position (GRCh38, 1-based): chr3:169,116,405, A>C on the plus strand (T>G on the coding strand, the complement: MECOM is on the minus strand). VCF-style: chr3-169116405-A-C. GRCh37 (hg19) VCF-style: chr3-168834193-A-C.
Other names: c.906T>G, p.Phe302Leu (NM_001163999.2, NM_001366467.2, NM_001366468.2 and 1 more transcripts); c.903T>G, p.Phe301Leu (NM_001164000.2, NM_001205194.2, NM_001366469.2 and 4 more transcripts); c.1467T>G, p.Phe489Leu (NM_001366466.2); c.1133-638T>G (NM_001366473.2); c.569-638T>G (NM_001366474.2); c.1098T>G, p.Phe366Leu (NM_001105077.4); c.1467T>G (NM_004991.3); short protein forms F301L, F366L, F302L, F489L.
Identifiers: ClinVar variation 3674770 (VCV003674770.3).